The following is an entry in ClinVar:

NC_000018.9:g.(?_21478692)_(21479039_?)del

Gene: LAMA3 (laminin subunit alpha 3; plus strand). Cytogenetic location: 18q11.2.
Variant type: Deletion.
Identifiers: ClinVar variation 1070853 (VCV001070853.5).

ClinVar aggregate classification (germline): Pathogenic (1 of 4 stars; one submission).

Submission:

Labcorp Genetics (formerly Invitae), Labcorp
Classification: Pathogenic. Last evaluated: 2020-10-09. Review status: criteria provided, single submitter. Criteria: Invitae Variant Classification Sherloc (09022015). Collection method: clinical testing. Allele origin: germline.
Comment: For these reasons, this variant has been classified as Pathogenic. Loss-of-function variants in LAMA3 are known to be pathogenic (PMID: 10366601, 11810295, 12915477, 16473856, 17362460, 23869449, 28087116). This variant has not been reported in the literature in individuals with LAMA3-related conditions. This variant is an out-of-frame deletion of the genomic region encompassing exon(s) 8-9 of the LAMA3 gene. This is expected to create a premature translational stop signal and result in an absent or disrupted protein product.

Literature cited by the submitters: PubMed 10366601; PubMed 11810295; PubMed 12915477; PubMed 16473856; PubMed 17362460; PubMed 23869449; PubMed 28087116.